The following is an entry in ClinVar:

NM_000431.4(MVK):c.349C>G (p.Leu117Val)

Gene: MVK (mevalonate kinase; plus strand). Cytogenetic location: 12q24.11.
Variant type: single nucleotide variant.
Coding change: c.349C>G on transcript NM_000431.4 (MANE Select); coding-DNA position 349, C replaced by G.
Protein change: p.Leu117Val; replaces leucine 117 with valine.
Molecular consequence: missense variant.
Genome position (GRCh38, 1-based): chr12:109,579,924, C>G. VCF-style: chr12-109579924-C-G. GRCh37 (hg19) VCF-style: chr12-110017729-C-G.
Other names: c.349C>G, p.Leu117Val (NM_001114185.3, NM_001301182.2); short protein forms L117V.
Identifiers: ClinVar variation 966253 (VCV000966253.9), dbSNP rs374204972, ClinGen allele CA386645680.

ClinVar aggregate classification (germline): Uncertain significance (1 of 4 stars; one submission).

Conditions:
Hyperimmunoglobulin D with periodic fever (HIDS). Also called: Hyperimmunoglobulinemia D with periodic fever; HYPERIMMUNOGLOBULINEMIA D AND PERIODIC FEVER SYNDROME; Hyperimmunoglobulinemia D. Identifiers: Orphanet 343, MedGen C0398691, MONDO:0009849, OMIM 260920.
Mevalonic aciduria (MEVA). Identifiers: Orphanet 29, MedGen C1959626, MONDO:0012481, OMIM 610377.
Porokeratosis 3, disseminated superficial actinic type (POROK3). Also called: POROKERATOSIS, DISSEMINATED SUPERFICIAL ACTINIC, 1; POROKERATOSIS 3, MULTIPLE TYPES; POROKERATOSIS 3, MIBELLI TYPE. Identifiers: MedGen C1867981, MONDO:0008293, OMIM 175900.

Submission:

Labcorp Genetics (formerly Invitae), Labcorp
Classification: Uncertain significance for Mevalonic aciduria; Hyperimmunoglobulin D with periodic fever; Porokeratosis 3, disseminated superficial actinic type. Last evaluated: 2019-10-14. Review status: criteria provided, single submitter. Criteria: Invitae Variant Classification Sherloc (09022015). Collection method: clinical testing. Allele origin: germline.
Comment: This sequence change replaces leucine with valine at codon 117 of the MVK protein (p.Leu117Val). The leucine residue is moderately conserved and there is a small physicochemical difference between leucine and valine. This variant is not present in population databases (ExAC no frequency). This variant has not been reported in the literature in individuals with MVK-related conditions. Algorithms developed to predict the effect of missense changes on protein structure and function are either unavailable or do not agree on the potential impact of this missense change (SIFT: "Tolerated"; PolyPhen-2: "Possibly Damaging"; Align-GVGD: "Class C0"). In summary, the available evidence is currently insufficient to determine the role of this variant in disease. Therefore, it has been classified as a Variant of Uncertain Significance.